The following is an entry in ClinVar:

ClinVar aggregate classification (germline): Uncertain significance (1 of 4 stars; one submission).

Allele frequency attached by ClinVar (database versions not stated): gnomAD exomes below 0.00001; ExAC 0.00003.
gnomAD v4.1: 4 of 1,570,282 alleles (0.00025%); highest among the groups gnomAD compares: South Asian, 0.0023%; no homozygotes.

Submission:

GeneDx
Classification: Uncertain significance. Last evaluated: 2022-06-15. Review status: criteria provided, single submitter. Criteria: GeneDx Variant Classification Process June 2021. Collection method: clinical testing. Allele origin: germline. Affected: yes.
Comment: Not observed at significant frequency in large population cohorts (gnomAD); In silico analysis supports that this missense variant does not alter protein structure/function; Has not been previously published as pathogenic or benign to our knowledge

NM_006904.7(PRKDC):c.11212A>G (p.Ile3738Val)

Gene: PRKDC (protein kinase, DNA-activated, catalytic subunit; minus strand). Cytogenetic location: 8q11.21.
Variant type: single nucleotide variant.
Coding change: c.11212A>G on transcript NM_006904.7 (MANE Select); coding-DNA position 11212, A replaced by G.
Protein change: p.Ile3738Val; replaces isoleucine 3738 with valine.
Molecular consequence: missense variant.
Genome position (GRCh38, 1-based): chr8:47,782,562, T>C on the plus strand (A>G on the coding strand, the complement: PRKDC is on the minus strand). VCF-style: chr8-47782562-T-C. GRCh37 (hg19) VCF-style: chr8-48695123-T-C.
Other names: c.11212A>G, p.Ile3738Val (NM_001081640.2); short protein forms I3738V.
Identifiers: ClinVar variation 1804437 (VCV001804437.1), dbSNP rs767699989, ClinGen allele CA4739138.